The following is an entry in ClinVar:

NM_000051.4(ATM):c.8733C>T (p.Thr2911=)

Genes: ATM (ATM serine/threonine kinase; plus strand), C11orf65 (chromosome 11 open reading frame 65; minus strand). Cytogenetic location: 11q22.3.
Variant type: single nucleotide variant.
Coding change: c.8733C>T on transcript NM_000051.4 (MANE Select); coding-DNA position 8733, C replaced by T.
Protein change: p.Thr2911=; no amino-acid change (threonine 2911 retained).
Molecular consequence: synonymous variant. On other transcripts: intron variant (2).
Genome position (GRCh38, 1-based): chr11:108,353,827, C>T. VCF-style: chr11-108353827-C-T. GRCh37 (hg19) VCF-style: chr11-108224554-C-T.
Other names: c.8733C>T, p.Thr2911= (NM_001351834.2); c.640+32093G>A (NM_001330368.2); c.695-18535G>A (NM_001351110.2).
Identifiers: ClinVar variation 1131003 (VCV001131003.11), dbSNP rs1057523011, ClinGen allele CA476673889.

ClinVar aggregate classification (germline): Benign/Likely benign. Review status: criteria provided, multiple submitters, no conflicts (2 of 4 stars). 3 submissions from 3 submitters: Benign (1); Likely benign (2). Last evaluated 2024-06-20.

Conditions:
Familial cancer of breast. Also called: Hereditary breast cancer; hereditary breast carcinoma; BREAST CANCER, FAMILIAL. Identifiers: Orphanet 227535, MedGen C0346153, MONDO:0016419, OMIM 114480. Disease mechanism: loss of function.
Hereditary cancer-predisposing syndrome. Also called: Neoplastic Syndromes, Hereditary; Tumor predisposition; Hereditary Cancer Syndrome; Hereditary neoplastic syndrome. Identifiers: Orphanet 140162, MedGen C0027672, MeSH D009386, MONDO:0015356.
Ataxia-telangiectasia syndrome (AT). Also called: Ataxia telangiectasia (A-T); ATAXIA-TELANGIECTASIA, COMPLEMENTATION GROUP A; ATAXIA-TELANGIECTASIA, FRESNO VARIANT; Ataxia-telangiectasia; Ataxia-telangiectasia, complementation group E; LOUIS-BAR SYNDROME. Identifiers: Orphanet 100, MedGen C0004135, MONDO:0008840, OMIM 208900.

gnomAD v4.1: 1 of 1,614,010 alleles (0.000062%); highest among the groups gnomAD compares: Non-Finnish European, 0.000085%; no homozygotes.

Submissions (3):

Myriad Genetics, Inc.
Classification: Benign for Familial cancer of breast. Last evaluated: 2024-06-20. Review status: criteria provided, single submitter. Criteria: Myriad Autosomal Dominant, Autosomal Recessive and X-Linked Classification Criteria (2023). Collection method: clinical testing. Allele origin: unknown.
Comment: This variant is considered benign. This variant is a silent/synonymous amino acid change and it is not expected to impact splicing.

Color Diagnostics, LLC DBA Color Health
Classification: Likely benign for Hereditary cancer-predisposing syndrome. Last evaluated: 2022-02-01. Review status: criteria provided, single submitter. Criteria: ACMG Guidelines, 2015. Collection method: clinical testing. Allele origin: germline.

Labcorp Genetics (formerly Invitae), Labcorp
Classification: Likely benign for Ataxia-telangiectasia syndrome. Last evaluated: 2020-03-08. Review status: criteria provided, single submitter. Criteria: Invitae Variant Classification Sherloc (09022015). Collection method: clinical testing. Allele origin: germline.